The following is an entry in ClinVar:

NM_001348716.2(KDM6B):c.881G>T (p.Arg294Leu)

Gene: KDM6B (lysine demethylase 6B; plus strand). Cytogenetic location: 17p13.1.
Variant type: single nucleotide variant.
Coding change: c.881G>T on transcript NM_001348716.2 (MANE Select); coding-DNA position 881, G replaced by T.
Protein change: p.Arg294Leu; replaces arginine 294 with leucine.
Molecular consequence: missense variant.
Genome position (GRCh38, 1-based): chr17:7,846,988, G>T. VCF-style: chr17-7846988-G-T. GRCh37 (hg19) VCF-style: chr17-7750306-G-T.
Other names: c.881G>T, p.Arg294Leu (NM_001080424.2); short protein forms R294L.
Identifiers: ClinVar variation 2647391 (VCV002647391.24), dbSNP rs367566006, ClinGen allele CA397914732.

ClinVar aggregate classification (germline): Uncertain significance (1 of 4 stars; one submission).

gnomAD v4.1: 1 of 1,609,326 alleles (0.000062%); highest among the groups gnomAD compares: Middle Eastern, 0.017%; no homozygotes.

Submission:

CeGaT Center for Human Genetics Tuebingen
Classification: Uncertain significance. Last evaluated: 2022-07-01. Review status: criteria provided, single submitter. Criteria: CeGaT Center For Human Genetics Tuebingen Variant Classification Criteria Version 2. Collection method: clinical testing. Allele origin: germline. Affected: yes. Observed: 1 variant allele.
Comment: KDM6B: PM2